The following is an entry in ClinVar:

ClinVar aggregate classification (germline): Uncertain significance (1 of 4 stars; one submission).

Conditions:
Progressive sclerosing poliodystrophy (MTDPS4A). Also called: Mitochondrial DNA Depletion Syndrome 4A; ALPERS PROGRESSIVE INFANTILE POLIODYSTROPHY; NEURONAL DEGENERATION OF CHILDHOOD WITH LIVER DISEASE, PROGRESSIVE; Mitochondrial DNA depletion syndrome 4A (Alpers type); Alpers Syndrome; ALPERS DIFFUSE DEGENERATION OF CEREBRAL GRAY MATTER WITH HEPATIC CIRRHOSIS. Identifiers: Orphanet 726, MedGen C0205710, MONDO:0008758, OMIM 203700.

Submission:

Labcorp Genetics (formerly Invitae), Labcorp
Classification: Uncertain significance for Progressive sclerosing poliodystrophy. Last evaluated: 2022-06-03. Review status: criteria provided, single submitter. Criteria: Invitae Variant Classification Sherloc (09022015). Collection method: clinical testing. Allele origin: germline.
Comment: This sequence change falls in intron 21 of the POLG gene. It does not directly change the encoded amino acid sequence of the POLG protein. Information on the frequency of this variant in the gnomAD database is not available, as this variant may be reported differently in the database. This variant has not been reported in the literature in individuals affected with POLG-related conditions. Experimental studies and prediction algorithms are not available or were not evaluated, and the effect of this variant on mRNA splicing is currently unknown. In summary, the available evidence is currently insufficient to determine the role of this variant in disease. Therefore, it has been classified as a Variant of Uncertain Significance.

NM_002693.3(POLG):c.3483-19_3483-18delinsGG

Gene: POLG (DNA polymerase gamma, catalytic subunit; minus strand). Cytogenetic location: 15q26.1.
Variant type: Indel.
Coding change: c.3483-19_3483-18delinsGG on transcript NM_002693.3 (MANE Select); 19 bases into the intron before coding-DNA position 3483 through 18 bases into the intron before coding-DNA position 3483, TA replaced by GG.
Molecular consequence: intron variant.
Genome position (GRCh38, 1-based): chr15:89,317,554-89,317,555, TA replaced by CC on the plus strand (TA replaced by GG on the coding strand, the reverse complement: POLG is on the minus strand). VCF-style: chr15-89317554-TA-CC. GRCh37 (hg19) VCF-style: chr15-89860785-TA-CC.
Other names: c.3483-19_3483-18delinsGG (NM_001126131.2).
Identifiers: ClinVar variation 2002343 (VCV002002343.4), dbSNP rs2509188288, ClinGen allele CA2580090185.
Genomic context (GRCh38, chr15:89,317,554, plus strand): 5'-CTGGGGCAAGTCATTCAGACCCAGCTTGTAGGCAAACATGCACCTGAAAGAGACCCAATC[TA>CC]CTCTCACAGTCATGCCCCTCCTGTGAACAGATGCATCACTCCTGGAGCAATGACCCCACA-3'